The following is an entry in ClinVar:

NM_000465.4(BARD1):c.1903+1G>C

Gene: BARD1 (BRCA1 associated RING domain 1; minus strand). Cytogenetic location: 2q35.
Variant type: single nucleotide variant.
Coding change: c.1903+1G>C on transcript NM_000465.4 (MANE Select); the canonical splice donor site of the intron after coding-DNA position 1903, G replaced by C.
Molecular consequence: splice donor variant. On other transcripts: intron variant (1).
Genome position (GRCh38, 1-based): chr2:214,745,066, C>G on the plus strand (G>C on the coding strand, the complement: BARD1 is on the minus strand). VCF-style: chr2-214745066-C-G. GRCh37 (hg19) VCF-style: chr2-215609790-C-G.
Other names: c.1903+1G>C (NM_000465.2); c.493+1G>C (NM_001282548.2); c.1846+1G>C (NM_001282543.2); c.550+1G>C (NM_001282545.2); c.365-14558G>C (NM_001282549.2).
Identifiers: ClinVar variation 1801682 (VCV001801682.4), dbSNP rs876660237, ClinGen allele CA350452041.

ClinVar aggregate classification (germline): Likely pathogenic. Review status: criteria provided, multiple submitters, no conflicts (2 of 4 stars). 3 submissions from 3 submitters: Likely pathogenic (2). 1 of the submissions does not count toward it. Last evaluated 2026-05-21.

Conditions:
Gastric cancer. Also called: Malignant tumor of stomach; Stomach cancer. Identifiers: MedGen C0024623, MeSH D013274, MONDO:0001056, OMIM 613659, HP:0012126.
Hereditary cancer-predisposing syndrome. Also called: Neoplastic Syndromes, Hereditary; Hereditary neoplastic syndrome; Hereditary Cancer Syndrome; Tumor predisposition. Identifiers: Orphanet 140162, MedGen C0027672, MeSH D009386, MONDO:0015356.
Familial cancer of breast. Also called: Hereditary breast cancer; hereditary breast carcinoma; BREAST CANCER, FAMILIAL. Identifiers: Orphanet 227535, MedGen C0346153, MONDO:0016419, OMIM 114480. Disease mechanism: loss of function.

Submissions (3):

Ambry Genetics
Classification: Likely pathogenic for Hereditary cancer-predisposing syndrome. Last evaluated: 2026-05-21. Review status: criteria provided, single submitter. Criteria: Ambry Variant Classification Scheme 2023. Collection method: clinical testing. Allele origin: germline.
Comment: The c.1903+1G>C intronic variant results from a G to C substitution one nucleotide after coding exon 9 of the BARD1 gene. This nucleotide position is highly conserved in available vertebrate species. In silico splice site analysis predicts that this alteration will weaken the native splice donor site. RNA studies have demonstrated that this variant results in abnormal splicing in the set of samples tested (Ambry internal data). This variant is considered to be rare based on population cohorts in the Genome Aggregation Database (gnomAD). Alterations that disrupt the canonical splice site are expected to cause aberrant splicing, resulting in an abnormal protein or a transcript that is subject to nonsense-mediated mRNA decay. As such, this alteration is classified as likely pathogenic.

Myriad Genetics, Inc.
Classification: Likely pathogenic for Familial cancer of breast. Last evaluated: 2023-05-24. Review status: criteria provided, single submitter. Criteria: Myriad Autosomal Dominant, Autosomal Recessive and X-Linked Classification Criteria (2023). Collection method: clinical testing. Allele origin: unknown.
Comment: This variant is considered likely pathogenic. This variant occurs within a consensus splice junction and is predicted to result in abnormal mRNA splicing of either an out-of-frame exon or an in-frame exon necessary for protein stability and/or normal function.

Laboratory for Genotyping Development, RIKEN
Classification: Pathogenic for Gastric cancer. Last evaluated: 2021-07-01. Review status: no assertion criteria provided. Collection method: research. Allele origin: germline. Not counted in ClinVar's aggregate classification.

Literature cited by the submitters: PubMed 36988593 (cited by Laboratory for Genotyping Development, RIKEN).